The following is an entry in ClinVar:

ClinVar aggregate classification (germline): Uncertain significance (1 of 4 stars; one submission).

Conditions:
Inborn genetic diseases. Identifiers: MedGen C0950123, MeSH D030342.

Submission:

Ambry Genetics
Classification: Uncertain significance for Inborn genetic diseases. Last evaluated: 2021-11-09. Review status: criteria provided, single submitter. Criteria: Ambry Variant Classification Scheme 2023. Collection method: clinical testing. Allele origin: germline.
Comment: The p.R798S variant (also known as c.2394G>T), located in coding exon 15 of the EPAS1 gene, results from a G to T substitution at nucleotide position 2394. The arginine at codon 798 is replaced by serine, an amino acid with dissimilar properties. This amino acid position is conserved. In addition, this alteration is predicted to be tolerated by in silico analysis. Since supporting evidence is limited at this time, the clinical significance of this alteration remains unclear.

NM_001430.5(EPAS1):c.2394G>T (p.Arg798Ser)

Gene: EPAS1 (endothelial PAS domain protein 1; plus strand). Cytogenetic location: 2p21.
Variant type: single nucleotide variant.
Coding change: c.2394G>T on transcript NM_001430.5 (MANE Select); coding-DNA position 2394, G replaced by T.
Protein change: p.Arg798Ser; replaces arginine 798 with serine.
Molecular consequence: missense variant.
Genome position (GRCh38, 1-based): chr2:46,382,531, G>T. VCF-style: chr2-46382531-G-T. GRCh37 (hg19) VCF-style: chr2-46609670-G-T.
Other names: short protein forms R798S.
Identifiers: ClinVar variation 1790602 (VCV001790602.2), dbSNP rs2546480934, ClinGen allele CA346706228.
Genomic context (GRCh38, chr2:46,382,531, plus strand): 5'-ACATCTGCCGCTGCCACAGCCTCCATCTGCCATCAGTCCCGGGGAGAACAGCAAGAGCAG[G>T]TTCCCCCCACAGTGCTACGCCACCCAGTACCAGGACTACAGCCTGTCGTCAGCCCACAAG-3'
Protein context (NP_001421.2, residues 788-808): AISPGENSKS[Arg798Ser]FPPQCYATQY